The following is an entry in ClinVar:

ClinVar aggregate classification (germline): Pathogenic (1 of 4 stars; one submission).

Conditions:
Hereditary cancer-predisposing syndrome. Also called: Tumor predisposition; Neoplastic Syndromes, Hereditary; Hereditary Cancer Syndrome; Hereditary neoplastic syndrome. Identifiers: Orphanet 140162, MedGen C0027672, MeSH D009386, MONDO:0015356.

Submission:

Ambry Genetics
Classification: Pathogenic for Hereditary cancer-predisposing syndrome. Last evaluated: 2020-05-04. Review status: criteria provided, single submitter. Criteria: Ambry Variant Classification Scheme 2023. Collection method: clinical testing. Allele origin: germline.
Comment: The c.3210delA pathogenic mutation, located in coding exon 9 of the BRCA1 gene, results from a deletion of one nucleotide at nucleotide position 3210, causing a translational frameshift with a predicted alternate stop codon (p.E1071Nfs*2). This alteration is expected to result in loss of function by premature protein truncation or nonsense-mediated mRNA decay. As such, this alteration is interpreted as a disease-causing mutation.

NM_007294.4(BRCA1):c.3210del (p.Glu1071fs)

Gene: BRCA1 (BRCA1 DNA repair associated; minus strand). Cytogenetic location: 17q21.31.
Variant type: Deletion.
Coding change: c.3210del on transcript NM_007294.4 (MANE Select); coding-DNA position 3210, one base deleted (A; older notation c.3210delA).
Protein change: p.Glu1071fs; shifts the reading frame from glutamic acid 1071.
Molecular consequence: frameshift variant. On other transcripts: intron variant (137).
Genome position (GRCh38, 1-based): chr17:43,092,321, T deleted on the plus strand (A on the coding strand, the reverse complement: BRCA1 is on the minus strand). VCF-style (leftmost placement, unchanged base first): chr17-43092320-CT-C. GRCh37 (hg19) VCF-style: chr17-41244337-CT-C.
Other names: c.3000del, p.Glu1001fs (NM_001407889.1, NM_001407879.1, NM_001407881.1 and 13 more transcripts); c.2997del, p.Glu1000fs (NM_001407571.1, NM_001407853.1, NM_001407894.1 and 9 more transcripts); c.3210del, p.Glu1071fs (NM_001407581.1, NM_001407582.1, NM_001407583.1 and 30 more transcripts); c.3207del, p.Glu1070fs (NM_001407587.1, NM_001407590.1, NM_001407591.1 and 22 more transcripts); c.3201del, p.Glu1068fs (NM_001407646.1, NM_001407647.1); c.3087del, p.Glu1030fs (NM_001407648.1, NM_001407664.1, NM_001407665.1 and 19 more transcripts); c.3084del, p.Glu1029fs (NM_001407649.1, NM_001407670.1, NM_001407671.1 and 11 more transcripts); c.3132del, p.Glu1045fs (NM_001407653.1, NM_001407654.1, NM_001407655.1 and 4 more transcripts); and 41 more; short protein forms E1024fs, E1071fs, E1000fs, E1045fs, E775fs, E903fs, E959fs, E1003fs.
Identifiers: ClinVar variation 1728930 (VCV001728930.2), dbSNP rs2552161519, ClinGen allele CA2580093885.